The following is an entry in ClinVar:

NM_000018.4(ACADVL):c.656C>A (p.Pro219His)

Gene: ACADVL (acyl-CoA dehydrogenase very long chain; plus strand). Cytogenetic location: 17p13.1.
Variant type: single nucleotide variant.
Coding change: c.656C>A on transcript NM_000018.4 (MANE Select); coding-DNA position 656, C replaced by A.
Protein change: p.Pro219His; replaces proline 219 with histidine.
Molecular consequence: missense variant.
Genome position (GRCh38, 1-based): chr17:7,221,985, C>A. VCF-style: chr17-7221985-C-A. GRCh37 (hg19) VCF-style: chr17-7125304-C-A.
Other names: c.590C>A, p.Pro197His (NM_001033859.3); c.725C>A, p.Pro242His (NM_001270447.2); c.428C>A, p.Pro143His (NM_001270448.2); short protein forms P197H, P219H, P242H, P143H.
Identifiers: ClinVar variation 2132484 (VCV002132484.4), dbSNP rs2508297103, ClinGen allele CA397723403.
Genomic context (GRCh38, chr17:7,221,985, plus strand): 5'-GGGGTAAAGTAGCTCTCTCCCCAACAGGGGAGACTGTGGCCGCTTTCTGTCTAACCGAGC[C>A]CTCAAGCGGGTCAGATGCAGCCTCCATCCGAACCTCTGCTGTGCCCAGCCCCTGTGGAAA-3'
Protein context (NP_000009.1, residues 209-229): ETVAAFCLTE[Pro219His]SSGSDAASIR

ClinVar aggregate classification (germline): Likely pathogenic (1 of 4 stars; one submission).

Conditions:
Very long chain acyl-CoA dehydrogenase deficiency (ACADVLD). Also called: VLCAD Deficiency; Very Long-Chain Acyl-Coenzyme A Dehydrogenase Deficiency. Identifiers: Orphanet 26793, MedGen C3887523, MONDO:0008723, OMIM 201475.

Submission:

Labcorp Genetics (formerly Invitae), Labcorp
Classification: Likely pathogenic for Very long chain acyl-CoA dehydrogenase deficiency. Last evaluated: 2022-05-01. Review status: criteria provided, single submitter. Criteria: Invitae Variant Classification Sherloc (09022015). Collection method: clinical testing. Allele origin: germline.
Comment: In summary, the currently available evidence indicates that the variant is pathogenic, but additional data are needed to prove that conclusively. Therefore, this variant has been classified as Likely Pathogenic. This variant disrupts the p.Pro219 amino acid residue in ACADVL. Other variant(s) that disrupt this residue have been determined to be pathogenic (Invitae). This suggests that this residue is clinically significant, and that variants that disrupt this residue are likely to be disease-causing. Advanced modeling of protein sequence and biophysical properties (such as structural, functional, and spatial information, amino acid conservation, physicochemical variation, residue mobility, and thermodynamic stability) performed at Invitae indicates that this missense variant is expected to disrupt ACADVL protein function. This variant has not been reported in the literature in individuals affected with ACADVL-related conditions. This variant is not present in population databases (gnomAD no frequency). This sequence change replaces proline, which is neutral and non-polar, with histidine, which is basic and polar, at codon 219 of the ACADVL protein (p.Pro219His).